The following is an entry in ClinVar:

ClinVar aggregate classification (germline): Benign (1 of 4 stars; one submission).

Conditions:
Leigh syndrome (NULS). Also called: Leigh's necrotizing encephalopathy; Leigh's disease; Leigh Syndrome (mtDNA deletion); Leigh Disease; Subacute necrotizing encephalopathy; Necrotizing encephalopathy infantile subacute of Leigh. Identifiers: Orphanet 506, MedGen C2931891, MONDO:0009723, OMIM 256000.

Submission:

Wong Mito Lab, Molecular and Human Genetics, Baylor College of Medicine
Classification: Benign for Leigh syndrome. Last evaluated: 2019-10-17. Review status: criteria provided, single submitter. Criteria: Modified ACMG Guidelines (Unpublished). Collection method: clinical testing. Allele origin: germline.
Comment: The NC_012920.1:m.3335T>C (YP_003024026.1:p.Ile10Thr) variant in MTND1 gene is interpretated to be a Benign variant based on the modified ACMG guidelines (unpublished). This variant meets the following evidence codes: BS1, BS2

NC_012920.1(MT-ND1):m.3335T>C

Gene: MT-ND1 (mitochondrially encoded NADH dehydrogenase 1; plus strand).
Variant type: single nucleotide variant.
Genome position: chrM-3335-T-C.
Identifiers: ClinVar variation 692336 (VCV000692336.1), dbSNP rs879173824, ClinGen allele CA337096497.